The following is an entry in ClinVar:

ClinVar aggregate classification (germline): Uncertain significance (1 of 4 stars; one submission).

Conditions:
Lymphoproliferative syndrome 2 (LPFS2). Also called: CD27 DEFICIENCY; Combined immunodeficiency due to CD27 deficiency. Identifiers: Orphanet 238505, MedGen C3554540, MONDO:0014054, OMIM 615122.

Submission:

Labcorp Genetics (formerly Invitae), Labcorp
Classification: Uncertain significance for Lymphoproliferative syndrome 2. Last evaluated: 2020-01-15. Review status: criteria provided, single submitter. Criteria: Invitae Variant Classification Sherloc (09022015). Collection method: clinical testing. Allele origin: germline.
Comment: In summary, the available evidence is currently insufficient to determine the role of this variant in disease. Therefore, it has been classified as a Variant of Uncertain Significance. Algorithms developed to predict the effect of missense changes on protein structure and function output the following: SIFT: "Deleterious"; PolyPhen-2: "Possibly Damaging"; Align-GVGD: "Class C15". The tyrosine amino acid residue is found in multiple mammalian species, suggesting that this missense change does not adversely affect protein function. These predictions have not been confirmed by published functional studies and their clinical significance is uncertain. This variant has not been reported in the literature in individuals with CD27-related conditions. This variant is not present in population databases (ExAC no frequency). This sequence change replaces phenylalanine with tyrosine at codon 48 of the CD27 protein (p.Phe48Tyr). The phenylalanine residue is highly conserved and there is a small physicochemical difference between phenylalanine and tyrosine.

NM_001242.5(CD27):c.143T>A (p.Phe48Tyr)

Genes: CD27 (CD27 molecule; plus strand), CD27-AS1 (CD27 antisense RNA 1; minus strand). Cytogenetic location: 12p13.31.
Variant type: single nucleotide variant.
Coding change: c.143T>A on transcript NM_001242.5 (MANE Select); coding-DNA position 143, T replaced by A.
Protein change: p.Phe48Tyr; replaces phenylalanine 48 with tyrosine.
Molecular consequence: missense variant.
Genome position (GRCh38, 1-based): chr12:6,445,430, T>A. VCF-style: chr12-6445430-T-A. GRCh37 (hg19) VCF-style: chr12-6554596-T-A.
Other names: short protein forms F48Y.
Identifiers: ClinVar variation 1041352 (VCV001041352.10), dbSNP rs1949400735, ClinGen allele CA383546894.